The following is an entry in ClinVar:

NM_015602.4(TOR1AIP1):c.329A>T (p.Gln110Leu)

Genes: TOR1AIP1 (torsin 1A interacting protein 1; plus strand), LOC112577517 (Sharpr-MPRA regulatory region 13766; plus strand). Cytogenetic location: 1q25.2.
Variant type: single nucleotide variant.
Coding change: c.329A>T on transcript NM_015602.4 (MANE Select); coding-DNA position 329, A replaced by T.
Protein change: p.Gln110Leu; replaces glutamine 110 with leucine.
Molecular consequence: missense variant.
Genome position (GRCh38, 1-based): chr1:179,882,831, A>T. VCF-style: chr1-179882831-A-T. GRCh37 (hg19) VCF-style: chr1-179851966-A-T.
Other names: c.329A>T, p.Gln110Leu (NM_001267578.2); short protein forms Q110L.
Identifiers: ClinVar variation 1314109 (VCV001314109.2), dbSNP rs1021447566, ClinGen allele CA343578087.
Genomic context (GRCh38, chr1:179,882,831, plus strand): 5'-TCCGGTCCGATTCTGCGAAAGAGGAAGTGAGAGAAAGCGCGTACTACCTTCGGTCTAGGC[A>T]GCGGAGGCAGCCGCGACCCCAGGAAACCGAGGAAATGAAGACGCGAAGGACTACCCGCCT-3'
Protein context (NP_056417.2, residues 100-120): RESAYYLRSR[Gln110Leu]RRQPRPQETE

ClinVar aggregate classification (germline): Uncertain significance (1 of 4 stars; one submission).

Allele frequency attached by ClinVar (database versions not stated): TOPMed below 0.00001; gnomAD 0.00001.
gnomAD v4.1: 2 of 1,614,112 alleles (0.00012%); highest among the groups gnomAD compares: Non-Finnish European, 0.00017%; no homozygotes.

Submission:

GeneDx
Classification: Uncertain significance. Last evaluated: 2021-02-22. Review status: criteria provided, single submitter. Criteria: GeneDx Variant Classification Process June 2021. Collection method: clinical testing. Allele origin: germline. Affected: yes.
Comment: Not observed at significant frequency in large population cohorts (Lek et al., 2016); In silico analysis supports that this missense variant has a deleterious effect on protein structure/function; Has not been previously published as pathogenic or benign to our knowledge; This variant is associated with the following publications: (PMID: 27535533)